The following is an entry in ClinVar:

ClinVar aggregate classification (germline): Conflicting classifications of pathogenicity. Review status: criteria provided, conflicting classifications (1 of 4 stars). 7 submissions from 7 submitters: Likely pathogenic (3); Uncertain significance (3). 1 of the submissions does not count toward it. Last evaluated 2025-08-08.

Conditions:
Congenital microcephaly - severe encephalopathy - progressive cerebral atrophy syndrome. Also called: Asparagine synthetase deficiency; ASNS DEFICIENCY. Identifiers: Orphanet 391376, MedGen C3809971, MONDO:0014258, OMIM 615574.

Allele frequency attached by ClinVar (database versions not stated): gnomAD exomes below 0.00001; TOPMed 0.00001; gnomAD 0.00002.
gnomAD v4.1: 8 of 1,606,240 alleles (0.0005%); highest among the groups gnomAD compares: African/African-American, 0.0027%; no homozygotes.

Submissions (7):

Myriad Genetics, Inc.
Classification: Uncertain significance for Congenital microcephaly - severe encephalopathy - progressive cerebral atrophy syndrome. Last evaluated: 2025-08-08. Review status: criteria provided, single submitter. Criteria: Myriad Autosomal Dominant, Autosomal Recessive and X-Linked Classification Criteria (2023). Collection method: clinical testing. Allele origin: unknown.
Comment: NM_001673.4(ASNS):c.1019G>A(R340H) is a missense variant classified as a variant of uncertain significance in the context of asparagine synthetase deficiency. R340H has been observed in a case with relevant disease (PMID: 27469131). Relevant functional assessments of this variant are not available in the literature. R340H has been observed in referenced population frequency databases. In summary, there is insufficient evidence to classify NM_001673.4(ASNS):c.1019G>A(R340H) as pathogenic or benign. Please note: this variant was assessed in the context of healthy population screening.

Dasa
Classification: Uncertain significance for Congenital microcephaly - severe encephalopathy - progressive cerebral atrophy syndrome. Last evaluated: 2025-06-25. Review status: criteria provided, single submitter. Criteria: DASA Assertion Criteria. Collection method: clinical testing. Allele origin: germline.
Comment: NM_001673.5(ASNS):c.1019G>A (p.Arg340His) is a missense variant that results in the substitution of arginine with histidine. The affected residue or protein region has prior evidence supporting clinical relevance. This variant has been reported in individuals with ASNS-related disorders (PMID: 27469131). Also, this variant is rare in population databases. The currently available literature and clinical evidence are not sufficient to establish a definitive association between this variant and the reported condition. Therefore, this variant is classified as a variant of uncertain significance.

Labcorp Genetics (formerly Invitae), Labcorp
Classification: Likely pathogenic. Last evaluated: 2025-06-12. Review status: criteria provided, single submitter. Criteria: Invitae Variant Classification Sherloc (09022015). Collection method: clinical testing. Allele origin: germline.
Comment: This sequence change replaces arginine, which is basic and polar, with histidine, which is basic and polar, at codon 340 of the ASNS protein (p.Arg340His). This variant is present in population databases (no rsID available, gnomAD 0.008%). This missense change has been observed in individual(s) with asparagine synthetase deficiency (PMID: 27469131). It has also been observed to segregate with disease in related individuals. ClinVar contains an entry for this variant (Variation ID: 635970). Invitae Evidence Modeling of protein sequence and biophysical properties (such as structural, functional, and spatial information, amino acid conservation, physicochemical variation, residue mobility, and thermodynamic stability) indicates that this missense variant is expected to disrupt ASNS protein function with a positive predictive value of 80%. This variant disrupts the p.Arg340 amino acid residue in ASNS. Other variant(s) that disrupt this residue have been determined to be pathogenic (PMID: 38043418). This suggests that this residue is clinically significant, and that variants that disrupt this residue are likely to be disease-causing. In summary, the currently available evidence indicates that the variant is pathogenic, but additional data are needed to prove that conclusively. Therefore, this variant has been classified as Likely Pathogenic.

Revvity Omics, Revvity
Classification: Uncertain significance for Congenital microcephaly - severe encephalopathy - progressive cerebral atrophy syndrome. Last evaluated: 2025-06-06. Review status: criteria provided, single submitter. Criteria: ACMG Guidelines, 2015. Collection method: clinical testing. Allele origin: germline.

Natera, Inc.
Classification: Likely pathogenic for Asparagine synthetase deficiency. Last evaluated: 2024-07-03. Review status: criteria provided, single submitter. Criteria: Natera Variant Classification Schema (03/2026). Collection method: clinical testing. Allele origin: germline.
Comment: The c.1019G>A variant in ASNS is a missense variant predicted to cause substitution of arginine to histidine at amino acid 340. This variant is rare in the general population with a frequency below the threshold expected for the associated phenotype(s). This variant has been observed in one or more individuals affected with the associated recessive disease, as either homozygous or compound heterozygous with a second variant (PMID: 27469131). This variant has been observed to segregate in affected family members (PMID: 27469131). This variant has been identified in one or more affected individual with a phenotype highly consistent with the associated gene (PMID: 27469131). Computational prediction algorithms indicate this variant is likely to affect gene or protein function. Given the available evidence, this variant is classified as Likely Pathogenic.

Fulgent Genetics
Classification: Likely pathogenic for Congenital microcephaly - severe encephalopathy - progressive cerebral atrophy syndrome. Last evaluated: 2024-02-19. Review status: criteria provided, single submitter. Criteria: ACMG Guidelines, 2015. Collection method: clinical testing. Allele origin: germline.

OMIM
Classification: Pathogenic for ASPARAGINE SYNTHETASE DEFICIENCY. Last evaluated: 2019-07-17. Review status: no assertion criteria provided. Collection method: literature only. Allele origin: germline. Not counted in ClinVar's aggregate classification.

Literature cited by the submitters: PubMed 27469131 (cited by 5 submitters); PubMed 38043418 (cited by Dasa and Labcorp Genetics (formerly Invitae), Labcorp).

NM_001673.5(ASNS):c.1019G>A (p.Arg340His)

Genes: ASNS (asparagine synthetase (glutamine-hydrolyzing); minus strand), CZ1P-ASNS (CZ1P-ASNS readthrough; minus strand). Cytogenetic location: 7q21.3.
Variant type: single nucleotide variant.
Coding change: c.1019G>A on transcript NM_001673.5 (MANE Select); coding-DNA position 1019, G replaced by A.
Protein change: p.Arg340His; replaces arginine 340 with histidine.
Molecular consequence: missense variant. On other transcripts: non-coding transcript variant (1).
Genome position (GRCh38, 1-based): chr7:97,856,701, C>T on the plus strand (G>A on the coding strand, the complement: ASNS is on the minus strand). VCF-style: chr7-97856701-C-T. GRCh37 (hg19) VCF-style: chr7-97486013-C-T.
Other names: c.956G>A, p.Arg319His (NM_001178075.2); c.770G>A, p.Arg257His (NM_001178076.2, NM_001178077.1); c.1019G>A, p.Arg340His (NM_001352496.2, NM_133436.3, NM_183356.4); short protein forms R340H, R319H, R257H.
Identifiers: ClinVar variation 635970 (VCV000635970.14), dbSNP rs1360484422, ClinGen allele CA368266829.